The following is an entry in ClinVar:

ClinVar aggregate classification (germline): Benign. Review status: criteria provided, multiple submitters, no conflicts (2 of 4 stars). 4 submissions from 4 submitters: Benign (4). Last evaluated 2026-02-04.

Conditions:
Methylmalonic acidemia with homocystinuria, type cblJ (MAHCJ). Also called: METHYLMALONIC ACIDURIA AND HOMOCYSTINURIA, cblJ TYPE. Identifiers: Orphanet 369955, MedGen C3553915, MONDO:0013925, OMIM 614857.

Allele frequency attached by ClinVar (database versions not stated): gnomAD exomes 0.01641; ExAC 0.02484; gnomAD 0.06548 and 0.06985; 1000 Genomes Project 0.07248; TOPMed 0.07332; ESP Exome Variant Server 0.07450; 1000 Genomes Project 30x 0.07979.
gnomAD v4.1: 19,595 of 1,609,026 alleles (1.2%); highest among the groups gnomAD compares: African/African-American, 23%; 2,009 homozygotes.

Submissions (4):

Labcorp Genetics (formerly Invitae), Labcorp
Classification: Benign for Methylmalonic acidemia with homocystinuria, type cblJ. Last evaluated: 2026-02-04. Review status: criteria provided, single submitter. Criteria: Invitae Variant Classification Sherloc (09022015). Collection method: clinical testing. Allele origin: germline.

Mayo Clinic Laboratories, Mayo Clinic
Classification: Benign. Last evaluated: 2022-07-22. Review status: criteria provided, single submitter. Criteria: ACMG Guidelines, 2015. Collection method: clinical testing. Allele origin: germline. Observed: 5 variant alleles.

GeneDx
Classification: Benign. Last evaluated: 2016-02-23. Review status: criteria provided, single submitter. Criteria: GeneDx Variant Classification (06012015). Collection method: clinical testing. Allele origin: germline. Affected: yes.
Comment: This variant is considered likely benign or benign based on one or more of the following criteria: it is a conservative change, it occurs at a poorly conserved position in the protein, it is predicted to be benign by multiple in silico algorithms, and/or has population frequency not consistent with disease.

Breakthrough Genomics
Classification: Benign. Review status: criteria provided, single submitter. Criteria: ACMG Guidelines, 2015. Collection method: not provided. Allele origin: germline. Inheritance: Autosomal recessive inheritance. Affected: yes.

NM_005050.4(ABCD4):c.1560-12A>C

Gene: ABCD4 (ATP binding cassette subfamily D member 4; minus strand). Cytogenetic location: 14q24.3.
Variant type: single nucleotide variant.
Coding change: c.1560-12A>C on transcript NM_005050.4 (MANE Select); 12 bases into the intron before coding-DNA position 1560, A replaced by C.
Molecular consequence: intron variant.
Genome position (GRCh38, 1-based): chr14:74,287,898, T>G on the plus strand (A>C on the coding strand, the complement: ABCD4 is on the minus strand). VCF-style: chr14-74287898-T-G. GRCh37 (hg19) VCF-style: chr14-74754601-T-G.
Other names: p.?; c.771-12A>C (NM_001353607.2, NM_001353604.2, NM_001353603.2 and 5 more transcripts); c.1083-12A>C (NM_001353598.2, NM_001353601.2, NM_001353600.2 and 2 more transcripts); c.1248-12A>C (NM_001353594.2); c.1299-12A>C (NM_001353593.2); c.1095-12A>C (NM_001353597.2); c.1146-12A>C (NM_001353596.2, NM_001353595.2); c.1434-12A>C (NM_001353591.2, NM_001353592.2); and 2 more.
Identifiers: ClinVar variation 380505 (VCV000380505.12), dbSNP rs74061802, ClinGen allele CA7266688.